The following is an entry in ClinVar:

NM_005629.4(SLC6A8):c.644+9G>A

Gene: SLC6A8 (solute carrier family 6 member 8; plus strand). Cytogenetic location: Xq28.
Variant type: single nucleotide variant.
Coding change: c.644+9G>A on transcript NM_005629.4 (MANE Select); 9 bases into the intron after coding-DNA position 644, G replaced by A.
Molecular consequence: intron variant.
Genome position (GRCh38, 1-based): chrX:153,691,562, G>A. VCF-style: chrX-153691562-G-A. GRCh37 (hg19) VCF-style: chrX-152957017-G-A.
Other names: c.644+9G>A (NM_001142805.2); c.299+9G>A (NM_001142806.1).
Identifiers: ClinVar variation 416004 (VCV000416004.12), dbSNP rs200353790, ClinGen allele CA10549215.
Genomic context (GRCh38, chrX:153,691,562, plus strand): 5'-TCACCTGTGACCAGCTTGCTGACCGCCGGTCCCCTGTCATCGAGTTCTGGGAGTGAGTCC[G>A]GCACCTCTGGGCCAAGCCCATCCCATCCCCCAGGTCTCCCTCATGTTGCCCGGCTCCAGG-3'

ClinVar aggregate classification (germline): Likely benign. Review status: reviewed by expert panel (3 of 4 stars). 2 submissions from 2 submitters: Likely benign (1). 1 of the submissions does not count toward it. Last evaluated 2023-01-12.

Conditions:
Creatine transporter deficiency (CCDS1). Also called: Creatine Transporter (CRTR) Deficiency; Mental retardation , X-linked with seizures, short stature and midface hypoplasia; Mental retardation , X-linked, with creatine transport deficiency; X-linked creatine transporter deficiency; X-linked creatine deficiency syndrome; SLC6A8-Related Creatine Transporter Deficiency. Identifiers: Orphanet 52503, MedGen C1845862, MONDO:0010305, OMIM 300352.

Allele frequency attached by ClinVar (database versions not stated): TOPMed 0.00002; ExAC 0.00019.
gnomAD v4.1: 9 of 1,209,866 alleles (0.00074%); highest among the groups gnomAD compares: Admixed American, 0.0043%; no homozygotes.

Submissions (2):

ClinGen Cerebral Creatine Deficiency Syndromes Variant Curation Expert Panel, ClinGen
Classification: Likely benign for Creatine transporter deficiency. Last evaluated: 2023-01-12. Review status: reviewed by expert panel. Criteria: ClinGen_CCDS_ACMG_Specifications_SLC6A8_v1.1. Collection method: curation. Allele origin: germline. Inheritance: X-linked inheritance.
Comment: The NM_005629.4:c.644+9G>A variant in SLC6A8 is in the region of the donor splice site of intron 3. The computational splicing predictors SpliceAI and varSEAK suggest that the variant has no impact on splicing (BP4). This is also supported by the reported results of 5 different predictors (Netgene2, Fruitfly (i.e. NNSplice), Splice predictor, Genscan W, FSplice) (PMID 20717164). PhyloP100 way score for this intronic variant is 0.35, which is below the threshols of 2.0, indicating that this nucleotide is not highly conserved (BP7). The highest population minor allele frequency in gnomAD v2.1.1 is 0.0001061 in the African population. This allele frequency is between the ClinGen CCDS VCEP’s allele frequency thresholds for PM2 (<0.00002) and BS1 (>0.0002). Therefore, neither code is met. There is a ClinVar entry for this variant (Variation ID: 416004) In summary, this variant meets the criteria to be classified as likely benign for X-linked creatine transporter deficiency. SLC6A8-specific ACMG/AMP criteria applied, as specified by the ClinGen CCDS VCEP (Specifications verion 1.1.0): BP4. BP7. This classification was approved by the ClinGen CCDS VCEP on Jan 12, 2023).

Labcorp Genetics (formerly Invitae), Labcorp
Classification: Likely benign for Creatine transporter deficiency. Last evaluated: 2024-07-11. Review status: criteria provided, single submitter. Criteria: Invitae Variant Classification Sherloc (09022015). Collection method: clinical testing. Allele origin: germline. Not counted in ClinVar's aggregate classification.